The following is an entry in ClinVar:

ClinVar aggregate classification (germline): not provided. Review status: no classification provided (0 of 4 stars). 3 submissions from 1 submitter: not provided (3).

Conditions:
Preeclampsia. Identifiers: Orphanet 275555, MedGen C0032914, MONDO:0005081, HP:0100602.
Normal pregnancy. Identifiers: MedGen C0232989.
Small for gestational age. Also called: Low birth weight. Identifiers: MedGen C0235991, HP:0001518.

Submissions (3):

Institute of Molecular and Cell Biology, University of Tartu
No classification provided. Condition: Normal pregnancy. Review status: no classification provided. Collection method: case-control. Allele origin: unknown. Affected: yes. Study: Kasak2014.
Comment: The study aimed to determine the contribution of copy number variants in the genetic etiology of normal and complicated pregnancies. The samples represented (i) maternal blood DNA drawn from healthy pregnant women during 1st or 2nd trimester and (ii) maternal and paternal blood DNA drawn at term pregnancy cases representing normal and complicated gestations (severe preeclampsia, PE; gestational diabetes, GD; small-for-gestational age newborn, SGA; large-for-gestational age newborn, LGA). We performed CNV calling based on genome-wide genotyping dataset (Illumina HumanOmniExpress-24-v1 BeadChip) by applying three algorithms, QuantiSNP, GADA (Genome Alteration Detection Algorithm) and CNstream in parallel. The acquired CNV calls were merged with HD-CNV (Hotspot Detector for Copy Number Variants) program and only the CNVs predicted by at least two programs, were considered in subsequent analysis.

Institute of Molecular and Cell Biology, University of Tartu
No classification provided. Condition: Small for gestational age. Review status: no classification provided. Collection method: case-control. Allele origin: unknown. Affected: yes. Study: Kasak2014.
Comment: the same text as in the submission from Institute of Molecular and Cell Biology, University of Tartu above.

Institute of Molecular and Cell Biology, University of Tartu
No classification provided. Condition: Preeclampsia. Review status: no classification provided. Collection method: case-control. Allele origin: unknown. Affected: yes. Study: Kasak2014.
Comment: the same text as in the submission from Institute of Molecular and Cell Biology, University of Tartu above.

Literature cited by the submitters: PubMed 25666259.

Single allele

Variant type: Deletion.
Identifiers: ClinVar variation 157138 (VCV000157138.2).